The following is an entry in ClinVar:

NM_001291867.2(NHS):c.3187C>G (p.Leu1063Val)

Gene: NHS (NHS actin remodeling regulator; plus strand). Cytogenetic location: Xp22.13.
Variant type: single nucleotide variant.
Coding change: c.3187C>G on transcript NM_001291867.2 (MANE Select); coding-DNA position 3187, C replaced by G.
Protein change: p.Leu1063Val; replaces leucine 1063 with valine.
Molecular consequence: missense variant.
Genome position (GRCh38, 1-based): chrX:17,727,293, C>G. VCF-style: chrX-17727293-C-G. GRCh37 (hg19) VCF-style: chrX-17745413-C-G.
Other names: c.2656C>G, p.Leu886Val (NM_001136024.4); c.2593C>G, p.Leu865Val (NM_001291868.2); c.2848C>G, p.Leu950Val (NM_001440780.1); c.3124C>G, p.Leu1042Val (NM_198270.4); short protein forms L1042V, L865V, L1063V, L950V, L886V.
Identifiers: ClinVar variation 4741909 (VCV004741909.1).
Genomic context (GRCh38, chrX:17,727,293, plus strand): 5'-GGTCCATTGTCTCCCGGAGGTAGCAAAAGAAAACCTAAAGTCCCAGAAAGAAAATCCTCA[C>G]TACAGCAACCCTCTTTAAAAGATGGAACTATATCACTGAGTAAAGACCTTGAACTTCCAA-3'
Protein context (NP_001278796.1, residues 1053-1073): KPKVPERKSS[Leu1063Val]QQPSLKDGTI

ClinVar aggregate classification (germline): Uncertain significance (1 of 4 stars; one submission).

Conditions:
Nance-Horan syndrome (NHS). Identifiers: Orphanet 627, MedGen C0796085, MONDO:0010545, OMIM 302350.

gnomAD v4.1: 5 of 1,211,637 alleles (0.00041%); highest among the groups gnomAD compares: East Asian, 0.015%; no homozygotes.

Submission:

Labcorp Genetics (formerly Invitae), Labcorp
Classification: Uncertain significance for Nance-Horan syndrome. Last evaluated: 2025-03-11. Review status: criteria provided, single submitter. Criteria: Invitae Variant Classification Sherloc (09022015). Collection method: clinical testing. Allele origin: germline.
Comment: This sequence change replaces leucine, which is neutral and non-polar, with valine, which is neutral and non-polar, at codon 1042 of the NHS protein (p.Leu1042Val). This variant is present in population databases (no rsID available, gnomAD 0.02%), including at least one homozygous and/or hemizygous individual. This variant has not been reported in the literature in individuals affected with NHS-related conditions. Invitae Evidence Modeling of protein sequence and biophysical properties (such as structural, functional, and spatial information, amino acid conservation, physicochemical variation, residue mobility, and thermodynamic stability) indicates that this missense variant is expected to disrupt NHS protein function with a positive predictive value of 80%. In summary, the available evidence is currently insufficient to determine the role of this variant in disease. Therefore, it has been classified as a Variant of Uncertain Significance.